The following is an entry in ClinVar:

NM_014989.7(RIMS1):c.3268A>G (p.Asn1090Asp)

Gene: RIMS1 (regulating synaptic membrane exocytosis 1; plus strand). Cytogenetic location: 6q13.
Variant type: single nucleotide variant.
Coding change: c.3268A>G on transcript NM_014989.7 (MANE Select); coding-DNA position 3268, A replaced by G.
Protein change: p.Asn1090Asp; replaces asparagine 1090 with aspartic acid.
Molecular consequence: missense variant. On other transcripts: intron variant (62).
Genome position (GRCh38, 1-based): chr6:72,265,463, A>G. VCF-style: chr6-72265463-A-G. GRCh37 (hg19) VCF-style: chr6-72975166-A-G.
Other names: c.1687A>G, p.Asn563Asp (NM_001350436.2); c.1470-497A>G (NM_001350428.2, NM_001350459.2, NM_001350424.2 and 1 more transcripts); c.1467-497A>G (NM_001350437.2, NM_001350430.2, NM_001350421.2 and 1 more transcripts); c.1616+411A>G (NM_001350458.2); c.1539-497A>G (NM_001350433.2, NM_001350446.2, NM_001350442.2 and 8 more transcripts); c.1538+4696A>G (NM_001350431.2); c.1476-497A>G (NM_001350457.2); c.1475+6352A>G (NM_001350460.2, NM_001350426.2, NM_001350429.2 and 1 more transcripts); and 14 more; short protein forms N563D, N1090D.
Identifiers: ClinVar variation 2837927 (VCV002837927.3), dbSNP rs749292258, ClinGen allele CA3886186.

ClinVar aggregate classification (germline): Uncertain significance (1 of 4 stars; one submission).

Allele frequency attached by ClinVar (database versions not stated): gnomAD exomes below 0.00001; ExAC 0.00001.
gnomAD v4.1: 1 of 1,607,668 alleles (0.000062%); highest among the groups gnomAD compares: Non-Finnish European, 0.000085%; no homozygotes.

Submission:

Labcorp Genetics (formerly Invitae), Labcorp
Classification: Uncertain significance. Last evaluated: 2023-07-07. Review status: criteria provided, single submitter. Criteria: Invitae Variant Classification Sherloc (09022015). Collection method: clinical testing. Allele origin: germline.
Comment: This sequence change replaces asparagine, which is neutral and polar, with aspartic acid, which is acidic and polar, at codon 1090 of the RIMS1 protein (p.Asn1090Asp). This variant is present in population databases (rs749292258, gnomAD 0.0009%). This variant has not been reported in the literature in individuals affected with RIMS1-related conditions. An algorithm developed to predict the effect of missense changes on protein structure and function (PolyPhen-2) suggests that this variant is likely to be tolerated. Algorithms developed to predict the effect of sequence changes on RNA splicing suggest that this variant may create or strengthen a splice site. In summary, the available evidence is currently insufficient to determine the role of this variant in disease. Therefore, it has been classified as a Variant of Uncertain Significance.